The following is an entry in ClinVar:

ClinVar aggregate classification (germline): Conflicting classifications of pathogenicity. Review status: criteria provided, conflicting classifications (1 of 4 stars). 6 submissions from 6 submitters: Uncertain significance (3); Likely benign (2). 1 of the submissions does not count toward it. Last evaluated 2024-08-10.

Conditions:
Breast-ovarian cancer, familial, susceptibility to, 1 (BROVCA1). Also called: BRCA1 Hereditary Breast and Ovarian Cancer; OVARIAN CANCER, SUSCEPTIBILITY TO. Identifiers: Orphanet 145, MedGen C2676676, MONDO:0011450, OMIM 604370. Disease mechanism: loss of function.
Hereditary cancer-predisposing syndrome. Also called: Hereditary Cancer Syndrome; Neoplastic Syndromes, Hereditary; Hereditary neoplastic syndrome; Tumor predisposition. Identifiers: Orphanet 140162, MedGen C0027672, MeSH D009386, MONDO:0015356.
Hereditary breast ovarian cancer syndrome. Also called: Hereditary breast and/or ovarian cancer syndrome; Hereditary breast and ovarian cancer syndrome; Hereditary breast and ovarian cancer; Hereditary breast and ovarian cancer syndrome (HBOC); Breast and ovarian cancer; BRCA1- and BRCA2-Associated Hereditary Breast and Ovarian Cancer. Identifiers: Orphanet 145, MedGen C0677776, MeSH D061325, MONDO:0003582. Disease mechanism: loss of function.
Familial cancer of breast. Also called: hereditary breast carcinoma; Hereditary breast cancer; BREAST CANCER, FAMILIAL. Identifiers: Orphanet 227535, MedGen C0346153, MONDO:0016419, OMIM 114480. Disease mechanism: loss of function.

Allele frequency attached by ClinVar (database versions not stated): gnomAD exomes below 0.00001.
gnomAD v4.1: 1 of 1,614,198 alleles (0.000062%); highest among the groups gnomAD compares: Non-Finnish European, 0.000085%; no homozygotes.

Submissions (7):

Labcorp Genetics (formerly Invitae), Labcorp
Classification: Uncertain significance for Hereditary breast ovarian cancer syndrome. Last evaluated: 2024-08-10. Review status: criteria provided, single submitter. Criteria: Invitae Variant Classification Sherloc (09022015). Collection method: clinical testing. Allele origin: germline.
Comment: This sequence change replaces glycine, which is neutral and non-polar, with serine, which is neutral and polar, at codon 1820 of the BRCA1 protein (p.Gly1820Ser). This variant is not present in population databases (gnomAD no frequency). This variant has not been reported in the literature in individuals affected with BRCA1-related conditions. ClinVar contains an entry for this variant (Variation ID: 91650). Advanced modeling performed at Invitae incorporating data from internal and/or published experimental studies (PMID: 30209399) indicates that this missense variant is not expected to disrupt BRCA1 function with a negative predictive value of 95%. Experimental studies have shown that this missense change does not substantially affect BRCA1 function (PMID: 30209399, 30257991). Algorithms developed to predict the effect of sequence changes on RNA splicing suggest that this variant may disrupt the consensus splice site. In summary, the available evidence is currently insufficient to determine the role of this variant in disease. Therefore, it has been classified as a Variant of Uncertain Significance.

Color Diagnostics, LLC DBA Color Health
Classification: Uncertain significance for Hereditary cancer-predisposing syndrome. Last evaluated: 2024-06-17. Review status: criteria provided, single submitter. Criteria: ACMG Guidelines, 2015. Collection method: clinical testing. Allele origin: germline.
Comment: This missense variant replaces glycine with serine at codon 1820 of the BRCA1 protein. Computational prediction suggests that this variant may not impact protein structure and function. Experimental studies have shown that this variant to be functional in homologous recombination, phosphopeptide binding, and haploid cell survival in a saturation genome editing assays (PMID: 30209399, 30257991). To our knowledge, this variant has not been reported in individuals affected with BRCA1-related disorders in the literature. This variant has not been identified in the general population by the Genome Aggregation Database (gnomAD). The available evidence is insufficient to determine the role of this variant in disease conclusively. Therefore, this variant is classified as a Variant of Uncertain Significance.

MGZ Medical Genetics Center
Classification: Likely benign for Familial cancer of breast. Last evaluated: 2024-06-10. Review status: criteria provided, single submitter. Criteria: CSpec BRCA1/2ACMG Rules Specifications V1.1.0. Collection method: clinical testing. Allele origin: germline. Affected: yes.
Comment: ACMG codes applied following ENIGMA VCEP rules: PM2_SUP, BS3

Ambry Genetics
Classification: Likely benign for Hereditary cancer-predisposing syndrome. Last evaluated: 2019-12-20. Review status: criteria provided, single submitter. Criteria: Ambry Variant Classification Scheme 2023. Collection method: clinical testing. Allele origin: germline.

Mendelics
Classification: Uncertain significance for Breast-ovarian cancer, familial, susceptibility to, 1. Last evaluated: 2019-05-28. Review status: criteria provided, single submitter. Criteria: Mendelics Assertion Criteria 2017. Collection method: clinical testing. Allele origin: unknown.

Sharing Clinical Reports Project (SCRP)
Classification: Uncertain significance for Breast-ovarian cancer, familial 1. Last evaluated: 2012-08-30. Review status: no assertion criteria provided. Collection method: clinical testing. Allele origin: germline. Not counted in ClinVar's aggregate classification.

Brotman Baty Institute, University of Washington
No classification provided (evidence only). Condition: Breast-ovarian cancer, familial 1. Review status: no classification provided. Collection method: in vitro. Allele origin: not applicable. Functional consequence: functionally_normal. Not counted in ClinVar's aggregate classification.
ClinVar note: "not provided" was previously submitted as the classification for the variant. However, the classification appeared to be based only on an observation of functional data so it was converted to no classification on 2025-07-30.

Literature cited by the submitters: PubMed 30209399 (cited by Labcorp Genetics (formerly Invitae), Labcorp and Color Diagnostics, LLC DBA Color Health); PubMed 30257991 (cited by Labcorp Genetics (formerly Invitae), Labcorp and Color Diagnostics, LLC DBA Color Health).

NM_007294.4(BRCA1):c.5458G>A (p.Gly1820Ser)

Gene: BRCA1 (BRCA1 DNA repair associated; minus strand). Cytogenetic location: 17q21.31.
Variant type: single nucleotide variant.
Coding change: c.5458G>A on transcript NM_007294.4 (MANE Select); coding-DNA position 5458, G replaced by A.
Protein change: p.Gly1820Ser; replaces glycine 1820 with serine.
Molecular consequence: missense variant. On other transcripts: nonsense (17), non-coding transcript variant (1).
Genome position (GRCh38, 1-based): chr17:43,047,652, C>T on the plus strand (G>A on the coding strand, the complement: BRCA1 is on the minus strand). VCF-style: chr17-43047652-C-T. GRCh37 (hg19) VCF-style: chr17-41199669-C-T.
Other names: 5577G>A; c.5374G>A, p.Gly1792Ser (NM_001407662.1, NM_001407663.1, NM_001407659.1 and 2 more transcripts); c.5335G>A, p.Gly1779Ser (NM_001407664.1, NM_001407665.1, NM_001407666.1 and 3 more transcripts); c.5332G>A, p.Gly1778Ser (NM_001407670.1, NM_001407671.1, NM_001407672.1 and 8 more transcripts); c.5329G>A, p.Gly1777Ser (NM_001407681.1, NM_001407682.1, NM_001407683.1 and 6 more transcripts); c.5317G>A, p.Gly1773Ser (NM_001407726.1, NM_001407727.1, NM_001407728.1 and 12 more transcripts); c.5314G>A, p.Gly1772Ser (NM_001407732.1, NM_001407733.1, NM_001407734.1 and 18 more transcripts); c.5311G>A, p.Gly1771Ser (NM_001407838.1, NM_001407850.1, NM_001407851.1 and 12 more transcripts); and 84 more; short protein forms G1820S, W691*, G1773S, G1841S, G716S, G1666S, G1730S, G1749S.
Identifiers: ClinVar variation 91650 (VCV000091650.28), dbSNP rs398122698, ClinGen allele CA003608.